The following is an entry in ClinVar:

NM_000093.5(COL5A1):c.3386G>T (p.Gly1129Val)

Gene: COL5A1 (collagen type V alpha 1 chain; plus strand). Cytogenetic location: 9q34.3.
Variant type: single nucleotide variant.
Coding change: c.3386G>T on transcript NM_000093.5 (MANE Select); coding-DNA position 3386, G replaced by T.
Protein change: p.Gly1129Val; replaces glycine 1129 with valine.
Molecular consequence: missense variant.
Genome position (GRCh38, 1-based): chr9:134,809,202, G>T. VCF-style: chr9-134809202-G-T. GRCh37 (hg19) VCF-style: chr9-137701048-G-T.
Other names: c.3386G>T, p.Gly1129Val (NM_001278074.1); short protein forms G1129V.
Identifiers: ClinVar variation 2128889 (VCV002128889.4), dbSNP rs2490810422, ClinGen allele CA375452855.

ClinVar aggregate classification (germline): Uncertain significance (1 of 4 stars; one submission).

Conditions:
Ehlers-Danlos syndrome, classic type, 1 (EDSCL1). Also called: EHLERS-DANLOS SYNDROME, GRAVIS TYPE; EHLERS-DANLOS SYNDROME, SEVERE CLASSIC TYPE; Ehlers-Danlos syndrome, type 1; EDS I; Ehlers-Danlos Syndrome, Classic Type, COL5A1-Related. Identifiers: MedGen C0268335, MONDO:0019567, OMIM 130000.

Submission:

Labcorp Genetics (formerly Invitae), Labcorp
Classification: Uncertain significance for Ehlers-Danlos syndrome, classic type, 1. Last evaluated: 2022-04-30. Review status: criteria provided, single submitter. Criteria: Invitae Variant Classification Sherloc (09022015). Collection method: clinical testing. Allele origin: germline.
Comment: In summary, the available evidence is currently insufficient to determine the role of this variant in disease. Therefore, it has been classified as a Variant of Uncertain Significance. This variant disrupts the triple helix domain of COL5A1. Glycine residues within the Gly-Xaa-Yaa repeats of the triple helix domain are required for the structure and stability of fibrillar collagens (PMID: 7695699, 8218237, 19344236), and variants at these glycine residues in COL5A1 are more frequently observed in individuals with disease than in the general population (PMID: 22696272, 23587214). However, the clinical significance of this observation remains uncertain since only a limited number of affected individuals have been described to date. Advanced modeling of protein sequence and biophysical properties (such as structural, functional, and spatial information, amino acid conservation, physicochemical variation, residue mobility, and thermodynamic stability) performed at Invitae indicates that this missense variant is expected to disrupt COL5A1 protein function. This missense change has been observed in individual(s) with clinical features of Ehlers-Danlos syndrome (Invitae). This variant is not present in population databases (gnomAD no frequency). This sequence change replaces glycine, which is neutral and non-polar, with valine, which is neutral and non-polar, at codon 1129 of the COL5A1 protein (p.Gly1129Val).

Literature cited by the submitters: PubMed 7695699; PubMed 8218237; PubMed 19344236; PubMed 22696272; PubMed 23587214.